The following is an entry in ClinVar:

NM_005120.3(MED12):c.6201A>G (p.Gln2067=)

Gene: MED12 (mediator complex subunit 12; plus strand). Cytogenetic location: Xq13.1.
Variant type: single nucleotide variant.
Coding change: c.6201A>G on transcript NM_005120.3 (MANE Select); coding-DNA position 6201, A replaced by G.
Protein change: p.Gln2067=; no amino-acid change (glutamine 2067 retained).
Molecular consequence: synonymous variant.
Genome position (GRCh38, 1-based): chrX:71,140,791, A>G. VCF-style: chrX-71140791-A-G. GRCh37 (hg19) VCF-style: chrX-70360641-A-G.
Identifiers: ClinVar variation 263958 (VCV000263958.39), dbSNP rs375793297, ClinGen allele CA10444897.

ClinVar aggregate classification (germline): Benign/Likely benign. Review status: criteria provided, multiple submitters, no conflicts (2 of 4 stars). 6 submissions from 6 submitters: Benign (1); Likely benign (5). Last evaluated 2026-01-12.

Conditions:
FG syndrome (FGS). Identifiers: MedGen C0220769, MONDO:0002010.
Familial thoracic aortic aneurysm and aortic dissection (TAAD). Also called: Thoracic aortic aneurysms and dissections. Identifiers: Orphanet 91387, MedGen C4707243, MONDO:0019625.

Allele frequency attached by ClinVar (database versions not stated): ESP Exome Variant Server 0.00010; gnomAD 0.00010 and 0.00011; ExAC 0.00015; gnomAD exomes 0.00015.

Submissions (6):

Labcorp Genetics (formerly Invitae), Labcorp
Classification: Benign for FG syndrome. Last evaluated: 2026-01-12. Review status: criteria provided, single submitter. Criteria: Invitae Variant Classification Sherloc (09022015). Collection method: clinical testing. Allele origin: germline.

CeGaT Center for Human Genetics Tuebingen
Classification: Likely benign. Last evaluated: 2024-07-01. Review status: criteria provided, single submitter. Criteria: CeGaT Center For Human Genetics Tuebingen Variant Classification Criteria Version 2. Collection method: clinical testing. Allele origin: germline. Affected: yes. Observed: 1 variant allele.
Comment: MED12: BP4, BP7, BS2

Blueprint Genetics
Classification: Likely benign. Last evaluated: 2021-07-08. Review status: criteria provided, single submitter. Criteria: ACMG Guidelines, 2015. Collection method: clinical testing. Allele origin: germline.

GeneDx
Classification: Likely benign. Last evaluated: 2021-05-20. Review status: criteria provided, single submitter. Criteria: GeneDx Variant Classification Process June 2021. Collection method: clinical testing. Allele origin: germline. Affected: yes.

Genetic Services Laboratory, University of Chicago
Classification: Likely benign. Last evaluated: 2019-06-25. Review status: criteria provided, single submitter. Criteria: ACMG Guidelines, 2015. Collection method: clinical testing. Allele origin: germline. Affected: no.

Ambry Genetics
Classification: Likely benign for Familial thoracic aortic aneurysm and aortic dissection. Last evaluated: 2015-03-31. Review status: criteria provided, single submitter. Criteria: Ambry Variant Classification Scheme 2023. Collection method: clinical testing. Allele origin: germline.